The following is an entry in ClinVar:

NM_001113378.2(FANCI):c.2318G>A (p.Ser773Asn)

Gene: FANCI (FA complementation group I; plus strand). Cytogenetic location: 15q26.1.
Variant type: single nucleotide variant.
Coding change: c.2318G>A on transcript NM_001113378.2 (MANE Select); coding-DNA position 2318, G replaced by A.
Protein change: p.Ser773Asn; replaces serine 773 with asparagine.
Molecular consequence: missense variant.
Genome position (GRCh38, 1-based): chr15:89,293,859, G>A. VCF-style: chr15-89293859-G-A. GRCh37 (hg19) VCF-style: chr15-89837090-G-A.
Other names: c.2039G>A, p.Ser680Asn (NM_001376910.1); c.2318G>A, p.Ser773Asn (NM_001376911.1, NM_018193.3); short protein forms S773N, S680N.
Identifiers: ClinVar variation 456206 (VCV000456206.8), dbSNP rs1192891263, ClinGen allele CA393750062.

ClinVar aggregate classification (germline): Uncertain significance (1 of 4 stars; one submission).

Conditions:
Fanconi anemia (FA). Also called: Fanconi's anemia. Identifiers: Orphanet 84, MedGen C0015625, MeSH D005199, MONDO:0019391.

Allele frequency attached by ClinVar (database versions not stated): gnomAD exomes below 0.00001.
gnomAD v4.1: 1 of 1,614,044 alleles (0.000062%); highest among the groups gnomAD compares: East Asian, 0.0022%; no homozygotes.

Submission:

Labcorp Genetics (formerly Invitae), Labcorp
Classification: Uncertain significance for Fanconi anemia. Last evaluated: 2022-05-15. Review status: criteria provided, single submitter. Criteria: Invitae Variant Classification Sherloc (09022015). Collection method: clinical testing. Allele origin: germline.
Comment: This sequence change replaces serine, which is neutral and polar, with asparagine, which is neutral and polar, at codon 773 of the FANCI protein (p.Ser773Asn). In summary, the available evidence is currently insufficient to determine the role of this variant in disease. Therefore, it has been classified as a Variant of Uncertain Significance. Algorithms developed to predict the effect of missense changes on protein structure and function output the following: SIFT: "Tolerated"; PolyPhen-2: "Benign"; Align-GVGD: "Class C0". The asparagine amino acid residue is found in multiple mammalian species, which suggests that this missense change does not adversely affect protein function. ClinVar contains an entry for this variant (Variation ID: 456206). This variant has not been reported in the literature in individuals affected with FANCI-related conditions. This variant is present in population databases (no rsID available, gnomAD 0.006%).